The following is an entry in ClinVar:

ClinVar aggregate classification (germline): Uncertain significance. Review status: criteria provided, single submitter (1 of 4 stars). 2 submissions from 2 submitters: Uncertain significance (1). 1 of the submissions does not count toward it. Last evaluated 2025-05-05.

Conditions:
BBS7-related disorder. Also called: BBS7-related condition.
Bardet-Biedl syndrome (BBS). Identifiers: Orphanet 110, MedGen C0752166, MONDO:0015229.

Allele frequency attached by ClinVar (database versions not stated): ExAC 0.00001; gnomAD 0.00001; gnomAD exomes 0.00001 and 0.00002; TOPMed 0.00002.
gnomAD v4.1: 5 of 1,613,654 alleles (0.00031%); highest among the groups gnomAD compares: Non-Finnish European, 0.00042%; no homozygotes.

Submissions (2):

Labcorp Genetics (formerly Invitae), Labcorp
Classification: Uncertain significance for Bardet-Biedl syndrome. Last evaluated: 2025-05-05. Review status: criteria provided, single submitter. Criteria: Invitae Variant Classification Sherloc (09022015). Collection method: clinical testing. Allele origin: germline.
Comment: This sequence change replaces proline, which is neutral and non-polar, with arginine, which is basic and polar, at codon 474 of the BBS7 protein (p.Pro474Arg). This variant is present in population databases (rs771018739, gnomAD 0.004%). This variant has not been reported in the literature in individuals affected with BBS7-related conditions. ClinVar contains an entry for this variant (Variation ID: 959957). Invitae Evidence Modeling of protein sequence and biophysical properties (such as structural, functional, and spatial information, amino acid conservation, physicochemical variation, residue mobility, and thermodynamic stability) indicates that this missense variant is expected to disrupt BBS7 protein function with a positive predictive value of 80%. In summary, the available evidence is currently insufficient to determine the role of this variant in disease. Therefore, it has been classified as a Variant of Uncertain Significance.

PreventionGenetics, part of Exact Sciences
Classification: Uncertain significance for BBS7-related condition. Last evaluated: 2024-08-12. Review status: no assertion criteria provided. Collection method: clinical testing. Allele origin: germline. Not counted in ClinVar's aggregate classification.
Comment: The BBS7 c.1421C>G variant is predicted to result in the amino acid substitution p.Pro474Arg. To our knowledge, this variant has not been reported in the literature. This variant is reported in 0.0044% of alleles in individuals of European (Non-Finnish) descent in gnomAD. At this time, the clinical significance of this variant is uncertain due to the absence of conclusive functional and genetic evidence.

NM_176824.3(BBS7):c.1421C>G (p.Pro474Arg)

Gene: BBS7 (Bardet-Biedl syndrome 7; minus strand). Cytogenetic location: 4q27.
Variant type: single nucleotide variant.
Coding change: c.1421C>G on transcript NM_176824.3 (MANE Select); coding-DNA position 1421, C replaced by G.
Protein change: p.Pro474Arg; replaces proline 474 with arginine.
Molecular consequence: missense variant.
Genome position (GRCh38, 1-based): chr4:121,835,234, G>C on the plus strand (C>G on the coding strand, the complement: BBS7 is on the minus strand). VCF-style: chr4-121835234-G-C. GRCh37 (hg19) VCF-style: chr4-122756389-G-C.
Other names: c.1421C>G, p.Pro474Arg (NM_018190.4); short protein forms P474R.
Identifiers: ClinVar variation 959957 (VCV000959957.7), dbSNP rs771018739, ClinGen allele CA3064227.